The following is an entry in ClinVar:

NM_000194.3(HPRT1):c.197G>T (p.Cys66Phe)

Gene: HPRT1 (hypoxanthine phosphoribosyltransferase 1; plus strand). Cytogenetic location: Xq26.2.
Variant type: single nucleotide variant.
Coding change: c.197G>T on transcript NM_000194.3 (MANE Select); coding-DNA position 197, G replaced by T.
Protein change: p.Cys66Phe; replaces cysteine 66 with phenylalanine.
Molecular consequence: missense variant.
Genome position (GRCh38, 1-based): chrX:134,475,243, G>T. VCF-style: chrX-134475243-G-T. GRCh37 (hg19) VCF-style: chrX-133609273-G-T.
Other names: short protein forms C66F.
Identifiers: ClinVar variation 3341395 (VCV003341395.1).

ClinVar aggregate classification (germline): Uncertain significance (1 of 4 stars; one submission).

Conditions:
Lesch-Nyhan syndrome (LNS). Also called: Lesch-Nyhan Disease (LND); HPRT DEFICIENCY, COMPLETE. Identifiers: Orphanet 510, MedGen C0023374, MONDO:0010298, OMIM 300322.

Submission:

Neuberg Centre For Genomic Medicine, NCGM
Classification: Uncertain significance for Lesch-Nyhan syndrome. Last evaluated: 2023-05-20. Review status: criteria provided, single submitter. Criteria: ACMG Guidelines, 2015. Collection method: clinical testing. Allele origin: germline. Inheritance: Autosomal recessive inheritance. Affected: yes.
Comment: The missense c.197G>T(p.Cys66Phe) variant in HPRT1 gene has not been reported previously as a pathogenic variant nor as a benign variant, to our knowledge. The p.Cys66Phe variant is absent in gnomAD Exome database. This variant has not been submitted to the ClinVar database. The amino acid change p.Cys66Phe in HPRT1 is predicted as conserved by GERP++ and PhyloP across 100 vertebrates. The amino acid Cys at position 66 is changed to a Phe changing protein sequence and it might alter its composition and physico-chemical properties. Multiple lines of computational evidence (Polyphen, SIFT and MutationTaster) predict a damaging effect on protein structure and function for this variant. For these reasons, this variant has been classified as Variant of Uncertain Significance (VUS).